The following is an entry in ClinVar:

ClinVar aggregate classification (germline): Pathogenic/Likely pathogenic. Review status: criteria provided, multiple submitters, no conflicts (2 of 4 stars). 5 submissions from 5 submitters: Pathogenic (3); Likely pathogenic (1). 1 of the submissions does not count toward it. Last evaluated 2024-05-01.

Conditions:
Charcot-Marie-Tooth disease type 4. Also called: Charcot-Marie-Tooth disease, type IV; Charcot-Marie-Tooth, Type 4. Identifiers: Orphanet 64749, MedGen C4082197, MONDO:0018995.
Charcot-Marie-Tooth disease. Also called: Charcot-Marie-Tooth Neuropathy; Charcot-Marie-Tooth Hereditary Neuropathy. Identifiers: Orphanet 166, MedGen C0007959, MONDO:0015626.
Charcot-Marie-Tooth disease type 4A. Also called: Charcot-Marie-Tooth disease, demyelinating, autosomal recessive, type 4a. Identifiers: Orphanet 99948, MedGen C1859198, MONDO:0008961, OMIM 214400.
Charcot-Marie-Tooth disease recessive intermediate A (CMTRIA). Also called: CHARCOT-MARIE-TOOTH NEUROPATHY, RECESSIVE INTERMEDIATE A. Identifiers: Orphanet 217055, MedGen C1842197, MONDO:0012014, OMIM 608340.
Charcot-Marie-Tooth disease, axonal, with vocal cord paresis, autosomal recessive. Also called: CHARCOT-MARIE-TOOTH DISEASE, TYPE 4A, AXONAL FORM; CHARCOT-MARIE-TOOTH NEUROPATHY, AXONAL, WITH VOCAL CORD PARESIS, AUTOSOMAL RECESSIVE; CMT2 WITH VOCAL CORD PARESIS, AUTOSOMAL RECESSIVE. Identifiers: Orphanet 101097, MedGen C1843183, MONDO:0011898, OMIM 607706.
Charcot-Marie-Tooth disease axonal type 2K (CMT2K). Also called: CHARCOT-MARIE-TOOTH DISEASE, AXONAL, AUTOSOMAL RECESSIVE, TYPE 2K; CHARCOT-MARIE-TOOTH NEUROPATHY, AXONAL, TYPE 2K; Charcot-Marie-Tooth disease type 2K. Identifiers: Orphanet 101097, Orphanet 99944, MedGen C1842983, MONDO:0011916, OMIM 607831.

Allele frequency attached by ClinVar (database versions not stated): gnomAD exomes below 0.00001.

Submissions (5):

Labcorp Genetics (formerly Invitae), Labcorp
Classification: Pathogenic for Charcot-Marie-Tooth disease type 4A. Last evaluated: 2024-05-01. Review status: criteria provided, single submitter. Criteria: Invitae Variant Classification Sherloc (09022015). Collection method: clinical testing. Allele origin: germline.
Comment: This sequence change creates a premature translational stop signal (p.Gln38*) in the GDAP1 gene. It is expected to result in an absent or disrupted protein product. Loss-of-function variants in GDAP1 are known to be pathogenic (PMID: 11743580). This variant is not present in population databases (gnomAD no frequency). This premature translational stop signal has been observed in individual(s) with autosomal recessive Charcot-Marie-Tooth disease (PMID: 31673878). ClinVar contains an entry for this variant (Variation ID: 569560). For these reasons, this variant has been classified as Pathogenic.

Kariminejad - Najmabadi Pathology & Genetics Center
Classification: Pathogenic for Charcot-Marie-Tooth disease axonal type 2K; Charcot-Marie-Tooth disease, axonal, with vocal cord paresis, autosomal recessive; Charcot-Marie-Tooth disease recessive intermediate A; Charcot-Marie-Tooth disease type 4A. Last evaluated: 2023-12-06. Review status: criteria provided, single submitter. Criteria: ACMG Guidelines, 2015. Collection method: clinical testing. Allele origin: germline. Inheritance: Autosomal recessive inheritance. Affected: yes.
Comment: PVS1_very strong,PM2,PP5

CMT Laboratory, Bogazici University
Classification: Pathogenic for Charcot-Marie-Tooth disease type 4A. Last evaluated: 2020-12-01. Review status: criteria provided, single submitter. Criteria: ACMG Guidelines, 2015. Collection method: clinical testing. Allele origin: germline. Affected: yes. Observed: 1 variant allele.

Molecular Genetics Laboratory, London Health Sciences Centre
Classification: Likely pathogenic for Charcot-Marie-Tooth disease. Review status: criteria provided, single submitter. Criteria: ACMG Guidelines, 2015. Collection method: clinical testing. Allele origin: germline. Affected: yes.

Genesis Genome Database
Classification: Uncertain significance for Charcot-Marie-Tooth disease type 4. Last evaluated: 2019-08-14. Review status: no assertion criteria provided. Collection method: research. Allele origin: germline. Affected: yes. Not counted in ClinVar's aggregate classification.

Literature cited by the submitters: PubMed 11743580 (cited by Labcorp Genetics (formerly Invitae), Labcorp); PubMed 31673878 (cited by Labcorp Genetics (formerly Invitae), Labcorp and CMT Laboratory, Bogazici University).

NM_018972.4(GDAP1):c.112C>T (p.Gln38Ter)

Genes: GDAP1 (ganglioside induced differentiation associated protein 1; plus strand), LOC130000622 (ATAC-STARR-seq lymphoblastoid active region 27542; plus strand). Cytogenetic location: 8q21.11.
Variant type: single nucleotide variant.
Coding change: c.112C>T on transcript NM_018972.4 (MANE Select); coding-DNA position 112, C replaced by T.
Protein change: p.Gln38Ter; replaces glutamine 38 with a stop codon.
Molecular consequence: nonsense. On other transcripts: 5 prime UTR variant (2), intron variant (1).
Genome position (GRCh38, 1-based): chr8:74,350,573, C>T. VCF-style: chr8-74350573-C-T. GRCh37 (hg19) VCF-style: chr8-75262808-C-T.
Other names: c.-71C>T (NM_001362929.2); c.112C>T, p.Gln38Ter (NM_001362930.2, NM_001362931.2); c.-23C>T (NM_001362932.2); c.-64+101C>T (NM_001040875.4); short protein forms Q38*.
Identifiers: ClinVar variation 569560 (VCV000569560.13), dbSNP rs761035569, ClinGen allele CA179354582.